The following is an entry in ClinVar:

ClinVar aggregate classification (germline): Pathogenic. Review status: criteria provided, multiple submitters, no conflicts (2 of 4 stars). 6 submissions from 6 submitters: Pathogenic (4). 2 of the submissions do not count toward it. Last evaluated 2025-07-30.

Conditions:
PROP1-related disorder. Also called: PROP1-related condition.
Pituitary hormone deficiency, combined, 2. Also called: PROP1-Related Combined Pituitary Hormone Deficiency; PITUITARY DWARFISM III; ATELIOTIC DWARFISM WITH HYPOGONADISM; HANHART DWARFISM. Identifiers: MedGen C0878683, MONDO:0009878, OMIM 262600.

Allele frequency attached by ClinVar (database versions not stated): gnomAD exomes 0.00001 and below 0.00001; gnomAD 0.00003; TOPMed 0.00001.
gnomAD v4.1: 9 of 1,614,118 alleles (0.00056%); highest among the groups gnomAD compares: Admixed American, 0.0017%; no homozygotes.

Submissions (6):

Natera, Inc.
Classification: Pathogenic for Combined pituitary hormone deficiency type 2. Last evaluated: 2025-07-30. Review status: criteria provided, single submitter. Criteria: Natera Variant Classification Schema (03/2026). Collection method: clinical testing. Allele origin: germline.
Comment: The c.295C>T variant in PROP1 is a nonsense variant predicted to introduce a stop codon at amino acid 99. This variant is expected to result in nonsense mediated decay, truncation, or a dysfunctional protein product. This variant is rare in the general population with a frequency below the threshold expected for the associated phenotype(s). This variant has been observed in one or more individuals affected with the associated recessive disease, as either homozygous or compound heterozygous with a second variant (PMID: 11549703). Given the available evidence, this variant is classified as Pathogenic.

Blueprint Genetics
Classification: Pathogenic for PROP1-related disorders. Last evaluated: 2024-09-23. Review status: criteria provided, single submitter. Criteria: ACMG Guidelines, 2015. Collection method: clinical testing. Allele origin: germline. Affected: yes. Observed: 1 variant allele.

Labcorp Genetics (formerly Invitae), Labcorp
Classification: Pathogenic. Last evaluated: 2024-01-31. Review status: criteria provided, single submitter. Criteria: Invitae Variant Classification Sherloc (09022015). Collection method: clinical testing. Allele origin: germline.
Comment: This sequence change creates a premature translational stop signal (p.Arg99*) in the PROP1 gene. It is expected to result in an absent or disrupted protein product. Loss-of-function variants in PROP1 are known to be pathogenic (PMID: 9462743, 9745452). This variant is present in population databases (rs121917844, gnomAD 0.003%). This premature translational stop signal has been observed in individuals with combined pituitary hormone deficiency (PMID: 10599689, 11549703, 30266296). This variant is also known as p.Arg95*. ClinVar contains an entry for this variant (Variation ID: 8105). Algorithms developed to predict the effect of sequence changes on RNA splicing suggest that this variant may disrupt the consensus splice site. For these reasons, this variant has been classified as Pathogenic.

Revvity Omics, Revvity
Classification: Pathogenic for Pituitary hormone deficiency, combined, 2. Last evaluated: 2019-06-14. Review status: criteria provided, single submitter. Criteria: ACMG Guidelines, 2015. Collection method: clinical testing. Allele origin: germline.

Counsyl
Classification: Pathogenic for Pituitary hormone deficiency, combined, 2. Last evaluated: 2017-01-05. Review status: no assertion criteria provided. Collection method: clinical testing. Allele origin: unknown. Not counted in ClinVar's aggregate classification.

OMIM
Classification: Pathogenic for PITUITARY HORMONE DEFICIENCY, COMBINED, 2. Last evaluated: 2001-09-01. Review status: no assertion criteria provided. Collection method: literature only. Allele origin: germline. Not counted in ClinVar's aggregate classification.

Literature cited by the submitters: PubMed 11549703 (cited by 3 submitters); PubMed 9462743 (cited by Labcorp Genetics (formerly Invitae), Labcorp); PubMed 9745452 (cited by Labcorp Genetics (formerly Invitae), Labcorp); PubMed 10599689 (cited by Labcorp Genetics (formerly Invitae), Labcorp); PubMed 30266296 (cited by Labcorp Genetics (formerly Invitae), Labcorp); PubMed 22024773 (cited by Counsyl); PubMed 17526936 (cited by Counsyl).

NM_006261.5(PROP1):c.295C>T (p.Arg99Ter)

Gene: PROP1 (PROP paired-like homeobox 1; minus strand). Cytogenetic location: 5q35.3.
Variant type: single nucleotide variant.
Coding change: c.295C>T on transcript NM_006261.5 (MANE Select); coding-DNA position 295, C replaced by T.
Protein change: p.Arg99Ter; replaces arginine 99 with a stop codon.
Molecular consequence: nonsense.
Genome position (GRCh38, 1-based): chr5:177,994,153, G>A on the plus strand (C>T on the coding strand, the complement: PROP1 is on the minus strand). VCF-style: chr5-177994153-G-A. GRCh37 (hg19) VCF-style: chr5-177421154-G-A.
Other names: short protein forms R99*.
Identifiers: ClinVar variation 8105 (VCV000008105.18), dbSNP rs121917844, ClinGen allele CA340735.